The following is an entry in ClinVar:

NM_004448.4(ERBB2):c.3672C>G (p.Asp1224Glu)

Gene: ERBB2 (erb-b2 receptor tyrosine kinase 2; plus strand). Cytogenetic location: 17q12.
Variant type: single nucleotide variant.
Coding change: c.3672C>G on transcript NM_004448.4 (MANE Select); coding-DNA position 3672, C replaced by G.
Protein change: p.Asp1224Glu; replaces aspartic acid 1224 with glutamic acid.
Molecular consequence: missense variant. On other transcripts: 3 prime UTR variant (2), non-coding transcript variant (1).
Genome position (GRCh38, 1-based): chr17:39,727,948, C>G. VCF-style: chr17-39727948-C-G. GRCh37 (hg19) VCF-style: chr17-37884201-C-G.
Other names: c.3582C>G, p.Asp1194Glu (NM_001005862.3, NM_001382782.1, NM_001382783.1); c.3627C>G, p.Asp1209Glu (NM_001289936.2); c.*251C>G (NM_001289937.2, NM_001382803.1); c.3789C>G, p.Asp1263Glu (NM_001382784.1); c.3774C>G, p.Asp1258Glu (NM_001382785.1); c.3753C>G, p.Asp1251Glu (NM_001382786.1); c.3747C>G, p.Asp1249Glu (NM_001382787.1); c.3702C>G, p.Asp1234Glu (NM_001382788.1); and 16 more; short protein forms D1194E, D1209E, D1223E, D1224E, D1234E, D1249E, D1263E, D907E.
Identifiers: ClinVar variation 1382653 (VCV001382653.8), dbSNP rs1383206442, ClinGen allele CA399314449.
Genomic context (GRCh38, chr17:39,727,948, plus strand): 5'-CCCTCAGCCCCACCCTCCTCCTGCCTTCAGCCCAGCCTTCGACAACCTCTATTACTGGGA[C>G]CAGGACCCACCAGAGCGGGGGGCTCCACCCAGCACCTTCAAAGGGACACCTACGGCAGAG-3'
Protein context (NP_004439.2, residues 1214-1234): SPAFDNLYYW[Asp1224Glu]QDPPERGAPP

ClinVar aggregate classification (germline): Uncertain significance (1 of 4 stars; one submission).

Allele frequency attached by ClinVar (database versions not stated): gnomAD exomes below 0.00001.
gnomAD v4.1: 1 of 1,614,042 alleles (0.000062%); no homozygotes.

Submission:

Labcorp Genetics (formerly Invitae), Labcorp
Classification: Uncertain significance. Last evaluated: 2024-02-02. Review status: criteria provided, single submitter. Criteria: Invitae Variant Classification Sherloc (09022015). Collection method: clinical testing. Allele origin: germline.
Comment: This sequence change replaces aspartic acid, which is acidic and polar, with glutamic acid, which is acidic and polar, at codon 1224 of the ERBB2 protein (p.Asp1224Glu). This variant is present in population databases (no rsID available, gnomAD no frequency). This variant has not been reported in the literature in individuals affected with ERBB2-related conditions. ClinVar contains an entry for this variant (Variation ID: 1382653). An algorithm developed to predict the effect of missense changes on protein structure and function (PolyPhen-2) suggests that this variant is likely to be tolerated. In summary, the available evidence is currently insufficient to determine the role of this variant in disease. Therefore, it has been classified as a Variant of Uncertain Significance.